The following is an entry in ClinVar:

NM_017654.4(SAMD9):c.4644A>T (p.Lys1548Asn)

Gene: SAMD9 (sterile alpha motif domain containing 9; minus strand). Cytogenetic location: 7q21.2.
Variant type: single nucleotide variant.
Coding change: c.4644A>T on transcript NM_017654.4 (MANE Select); coding-DNA position 4644, A replaced by T.
Protein change: p.Lys1548Asn; replaces lysine 1548 with asparagine.
Molecular consequence: missense variant.
Genome position (GRCh38, 1-based): chr7:93,101,454, T>A on the plus strand (A>T on the coding strand, the complement: SAMD9 is on the minus strand). VCF-style: chr7-93101454-T-A. GRCh37 (hg19) VCF-style: chr7-92730767-T-A.
Other names: c.4644A>T, p.Lys1548Asn (NM_001193307.2); short protein forms K1548N.
Identifiers: ClinVar variation 4863810 (VCV004863810.1).

ClinVar aggregate classification (germline): Uncertain significance (1 of 4 stars; one submission).

Conditions:
Inborn genetic diseases. Identifiers: MedGen C0950123, MeSH D030342.

Submission:

Ambry Genetics
Classification: Uncertain significance for Inborn genetic diseases. Last evaluated: 2026-04-13. Review status: criteria provided, single submitter. Criteria: Ambry Variant Classification Scheme 2023. Collection method: clinical testing. Allele origin: germline.
Comment: The p.K1548N variant (also known as c.4644A>T), located in coding exon 1 of the SAMD9 gene, results from an A to T substitution at nucleotide position 4644. The lysine at codon 1548 is replaced by asparagine, an amino acid with similar properties. This amino acid position is conserved. In addition, this alteration is predicted to be tolerated by in silico analysis. Based on the available evidence, the clinical significance of this variant remains unclear.